The following is an entry in ClinVar:

ClinVar aggregate classification (germline): Uncertain significance (1 of 4 stars; one submission).

Conditions:
Ataxia-telangiectasia syndrome (AT). Also called: Ataxia-telangiectasia, complementation group E; Ataxia telangiectasia (A-T); LOUIS-BAR SYNDROME; Ataxia-telangiectasia, complementation group D; AT, COMPLEMENTATION GROUP C; Ataxia-telangiectasia. Identifiers: Orphanet 100, MedGen C0004135, MONDO:0008840, OMIM 208900.

Submission:

Labcorp Genetics (formerly Invitae), Labcorp
Classification: Uncertain significance for Ataxia-telangiectasia syndrome. Last evaluated: 2019-12-16. Review status: criteria provided, single submitter. Criteria: Invitae Variant Classification Sherloc (09022015). Collection method: clinical testing. Allele origin: germline.
Comment: This sequence change replaces phenylalanine with isoleucine at codon 30 of the ATM protein (p.Phe30Ile). The phenylalanine residue is moderately conserved and there is a small physicochemical difference between phenylalanine and isoleucine. This variant is not present in population databases (ExAC no frequency). This variant has not been reported in the literature in individuals with ATM-related conditions. Algorithms developed to predict the effect of missense changes on protein structure and function are either unavailable or do not agree on the potential impact of this missense change (SIFT: "Tolerated"; PolyPhen-2: "Probably Damaging"; Align-GVGD: "Class C0"). In summary, the available evidence is currently insufficient to determine the role of this variant in disease. Therefore, it has been classified as a Variant of Uncertain Significance.

NM_000051.4(ATM):c.88T>A (p.Phe30Ile)

Gene: ATM (ATM serine/threonine kinase; plus strand). Cytogenetic location: 11q22.3.
Variant type: single nucleotide variant.
Coding change: c.88T>A on transcript NM_000051.4 (MANE Select); coding-DNA position 88, T replaced by A.
Protein change: p.Phe30Ile; replaces phenylalanine 30 with isoleucine.
Molecular consequence: missense variant.
Genome position (GRCh38, 1-based): chr11:108,227,791, T>A. VCF-style: chr11-108227791-T-A. GRCh37 (hg19) VCF-style: chr11-108098518-T-A.
Other names: c.88T>A, p.Phe30Ile (NM_001351834.2, NM_001351835.2, NM_001351836.2); short protein forms F30I.
Identifiers: ClinVar variation 836168 (VCV000836168.10), dbSNP rs2078817952, ClinGen allele CA382519563.
Genomic context (GRCh38, chr11:108,227,791, plus strand): 5'-ATAAGTGTGATTAGTAACCCATTATTATTTCCTTTTTATTTTCAGAAAGAAGTTGAGAAA[T>A]TTAAGCGCCTGATTCGAGATCCTGAAACAATTAAACATCTAGATCGGCATTCAGATTCCA-3'
Protein context (NP_000042.3, residues 20-40): ATERKKEVEK[Phe30Ile]KRLIRDPETI